The following is an entry in ClinVar:

NM_007194.4(CHEK2):c.918G>C (p.Gly306=)

Gene: CHEK2 (checkpoint kinase 2; minus strand). Cytogenetic location: 22q12.1.
Variant type: single nucleotide variant.
Coding change: c.918G>C on transcript NM_007194.4 (MANE Select); coding-DNA position 918, G replaced by C.
Protein change: p.Gly306=; no amino-acid change (glycine 306 retained).
Molecular consequence: synonymous variant.
Genome position (GRCh38, 1-based): chr22:28,699,928, C>G on the plus strand (G>C on the coding strand, the complement: CHEK2 is on the minus strand). VCF-style: chr22-28699928-C-G. GRCh37 (hg19) VCF-style: chr22-29095916-C-G.
Other names: c.1047G>C, p.Gly349= (NM_001005735.3); c.255G>C, p.Gly85= (NM_001257387.3); c.717G>C, p.Gly239= (NM_001349956.3); c.918G>C, p.Gly306= (NM_145862.3).
Identifiers: ClinVar variation 390390 (VCV000390390.18), dbSNP rs1057523756, ClinGen allele CA16608636.

ClinVar aggregate classification (germline): Benign/Likely benign. Review status: criteria provided, multiple submitters, no conflicts (2 of 4 stars). 5 submissions from 5 submitters: Benign (1); Likely benign (4). Last evaluated 2025-10-27.

Conditions:
Familial cancer of breast. Also called: Hereditary breast cancer; hereditary breast carcinoma; BREAST CANCER, FAMILIAL. Identifiers: Orphanet 227535, MedGen C0346153, MONDO:0016419, OMIM 114480. Disease mechanism: loss of function.
Hereditary cancer-predisposing syndrome. Also called: Hereditary Cancer Syndrome; Hereditary neoplastic syndrome; Neoplastic Syndromes, Hereditary; Tumor predisposition. Identifiers: Orphanet 140162, MedGen C0027672, MeSH D009386, MONDO:0015356.

Allele frequency attached by ClinVar (database versions not stated): gnomAD exomes below 0.00001; TOPMed below 0.00001.
gnomAD v4.1: 2 of 1,613,326 alleles (0.00012%); highest among the groups gnomAD compares: Non-Finnish European, 0.00017%; no homozygotes.

Submissions (5):

Labcorp Genetics (formerly Invitae), Labcorp
Classification: Likely benign for Familial cancer of breast. Last evaluated: 2025-10-27. Review status: criteria provided, single submitter. Criteria: Invitae Variant Classification Sherloc (09022015). Collection method: clinical testing. Allele origin: germline.

Myriad Genetics, Inc.
Classification: Benign for Familial cancer of breast. Last evaluated: 2024-10-04. Review status: criteria provided, single submitter. Criteria: Myriad Autosomal Dominant, Autosomal Recessive and X-Linked Classification Criteria (2023). Collection method: clinical testing. Allele origin: unknown.
Comment: This variant is considered benign. This variant is a silent/synonymous amino acid change and it is not expected to impact splicing.

Color Diagnostics, LLC DBA Color Health
Classification: Likely benign for Hereditary cancer-predisposing syndrome. Last evaluated: 2018-10-02. Review status: criteria provided, single submitter. Criteria: ACMG Guidelines, 2015. Collection method: clinical testing. Allele origin: germline.

Ambry Genetics
Classification: Likely benign for Hereditary cancer-predisposing syndrome. Last evaluated: 2017-10-17. Review status: criteria provided, single submitter. Criteria: Ambry Variant Classification Scheme 2023. Collection method: clinical testing. Allele origin: germline.

GeneDx
Classification: Likely benign. Last evaluated: 2017-05-26. Review status: criteria provided, single submitter. Criteria: GeneDx Variant Classification (06012015). Collection method: clinical testing. Allele origin: germline. Affected: yes.
Comment: This variant is considered likely benign or benign based on one or more of the following criteria: it is a conservative change, it occurs at a poorly conserved position in the protein, it is predicted to be benign by multiple in silico algorithms, and/or has population frequency not consistent with disease.